The following is an entry in ClinVar:

ClinVar aggregate classification (germline): Benign (1 of 4 stars; one submission).

Conditions:
CFI-related disorder. Also called: CFI-related condition; CFI-related disorders. Identifiers: MedGen CN239325.

gnomAD v4.1: 97,238 of 152,238 alleles (64%); highest among the groups gnomAD compares: South Asian, 76%; 32,368 homozygotes.

Submission:

Genomenon, Inc
Classification: Benign for CFI-related disorder. Last evaluated: 2025-09-26. Review status: criteria provided, single submitter. Criteria: Genomenon Sequence Variant Interpretation Standards - Updated. Collection method: curation. Allele origin: germline. Affected: no.
Comment: CFI c.483-606C>T is a deeply intronic variant located in intron 3. This variant is present at high allele frequency in population databases. In conclusion, we classify CFI c.483-606C>T as a benign variant.

NM_000204.5(CFI):c.483-606C>T

Gene: CFI (complement factor I; minus strand). Cytogenetic location: 4q25.
Variant type: single nucleotide variant.
Coding change: c.483-606C>T on transcript NM_000204.5 (MANE Select); 606 bases into the intron before coding-DNA position 483, C replaced by T.
Molecular consequence: intron variant.
Genome position (GRCh38, 1-based): chr4:109,762,298, G>A on the plus strand (C>T on the coding strand, the complement: CFI is on the minus strand). VCF-style: chr4-109762298-G-A. GRCh37 (hg19) VCF-style: chr4-110683454-G-A.
Other names: c.483-606C>T (NM_001375282.1, NM_001375280.1, NM_001375281.1 and 10 more transcripts); c.-127-606C>T (NM_001375284.1).
Identifiers: ClinVar variation 4280423 (VCV004280423.1).